The following is an entry in ClinVar:

NM_005154.5(USP8):c.673G>A (p.Ala225Thr)

Gene: USP8 (ubiquitin specific peptidase 8; plus strand). Cytogenetic location: 15q21.2.
Variant type: single nucleotide variant.
Coding change: c.673G>A on transcript NM_005154.5 (MANE Select); coding-DNA position 673, G replaced by A.
Protein change: p.Ala225Thr; replaces alanine 225 with threonine.
Molecular consequence: missense variant.
Genome position (GRCh38, 1-based): chr15:50,465,178, G>A. VCF-style: chr15-50465178-G-A. GRCh37 (hg19) VCF-style: chr15-50757375-G-A.
Other names: c.673G>A, p.Ala225Thr (NM_001128610.3); c.442G>A, p.Ala148Thr (NM_001283049.2); short protein forms A148T, A225T.
Identifiers: ClinVar variation 3357086 (VCV003357086.1).

ClinVar aggregate classification (germline): Uncertain significance (0 of 4 stars; one submission).

Conditions:
USP8-related disorder. Also called: USP8-related condition.

gnomAD v4.1: 10 of 1,613,700 alleles (0.00062%); highest among the groups gnomAD compares: African/African-American, 0.011%; no homozygotes.

Submission:

PreventionGenetics, part of Exact Sciences
Classification: Uncertain significance for USP8-related condition. Last evaluated: 2024-03-05. Review status: no assertion criteria provided. Collection method: clinical testing. Allele origin: germline.
Comment: The USP8 c.673G>A variant is predicted to result in the amino acid substitution p.Ala225Thr. To our knowledge, this variant has not been reported in the literature. This variant is reported in 0.0062% of alleles in individuals of African descent in gnomAD. At this time, the clinical significance of this variant is uncertain due to the absence of conclusive functional and genetic evidence.